The following is an entry in ClinVar:

NM_000441.2(SLC26A4):c.1320G>T (p.Lys440Asn)

Gene: SLC26A4 (solute carrier family 26 member 4; plus strand). Cytogenetic location: 7q22.3.
Variant type: single nucleotide variant.
Coding change: c.1320G>T on transcript NM_000441.2 (MANE Select); coding-DNA position 1320, G replaced by T.
Protein change: p.Lys440Asn; replaces lysine 440 with asparagine.
Molecular consequence: missense variant.
Genome position (GRCh38, 1-based): chr7:107,694,459, G>T. VCF-style: chr7-107694459-G-T. GRCh37 (hg19) VCF-style: chr7-107334904-G-T.
Other names: short protein forms K440N.
Identifiers: ClinVar variation 2504505 (VCV002504505.1), dbSNP rs2535326595, ClinGen allele CA368840393.

ClinVar aggregate classification (germline): Uncertain significance (1 of 4 stars; one submission).

Submission:

GeneDx
Classification: Uncertain significance. Last evaluated: 2022-12-01. Review status: criteria provided, single submitter. Criteria: GeneDx Variant Classification Process June 2021. Collection method: clinical testing. Allele origin: germline. Affected: yes.
Comment: Not observed at significant frequency in large population cohorts (gnomAD); In silico analysis supports that this missense variant does not alter protein structure/function; Has not been previously published as pathogenic or benign to our knowledge